The following is an entry in ClinVar:

NM_182493.3(MYLK3):c.638G>C (p.Gly213Ala)

Gene: MYLK3 (myosin light chain kinase 3; minus strand). Cytogenetic location: 16q11.2.
Variant type: single nucleotide variant.
Coding change: c.638G>C on transcript NM_182493.3 (MANE Select); coding-DNA position 638, G replaced by C.
Protein change: p.Gly213Ala; replaces glycine 213 with alanine.
Molecular consequence: missense variant. On other transcripts: intron variant (1).
Genome position (GRCh38, 1-based): chr16:46,738,074, C>G on the plus strand (G>C on the coding strand, the complement: MYLK3 is on the minus strand). VCF-style: chr16-46738074-C-G. GRCh37 (hg19) VCF-style: chr16-46771986-C-G.
Other names: c.-23+1983G>C (NM_001308301.1); short protein forms G213A.
Identifiers: ClinVar variation 4735751 (VCV004735751.1).

ClinVar aggregate classification (germline): Uncertain significance (1 of 4 stars; one submission).

Submission:

Labcorp Genetics (formerly Invitae), Labcorp
Classification: Uncertain significance. Last evaluated: 2026-01-27. Review status: criteria provided, single submitter. Criteria: Invitae Variant Classification Sherloc (09022015). Collection method: clinical testing. Allele origin: germline.
Comment: This sequence change replaces glycine, which is neutral and non-polar, with alanine, which is neutral and non-polar, at codon 213 of the MYLK3 protein (p.Gly213Ala). This variant is not present in population databases (gnomAD no frequency). This variant has not been reported in the literature in individuals affected with MYLK3-related conditions. An algorithm developed to predict the effect of missense changes on protein structure and function (PolyPhen-2) suggests that this variant is likely to be tolerated. In summary, the available evidence is currently insufficient to determine the role of this variant in disease. Therefore, it has been classified as a Variant of Uncertain Significance.